The following is an entry in ClinVar:

NM_020778.5(ALPK3):c.4411-289A>C

Gene: ALPK3 (alpha kinase 3; plus strand). Cytogenetic location: 15q25.3.
Variant type: single nucleotide variant.
Coding change: c.4411-289A>C on transcript NM_020778.5 (MANE Select); 289 bases into the intron before coding-DNA position 4411, A replaced by C.
Molecular consequence: intron variant.
Genome position (GRCh38, 1-based): chr15:84,863,263, A>C. VCF-style: chr15-84863263-A-C. GRCh37 (hg19) VCF-style: chr15-85406494-A-C.
Other names: NC_000015.9:g.85406494A>C.
Identifiers: ClinVar variation 683074 (VCV000683074.3), dbSNP rs306199, ClinGen allele CA14173580.

ClinVar aggregate classification (germline): Benign. Review status: criteria provided, multiple submitters, no conflicts (2 of 4 stars). 2 submissions from 2 submitters: Benign (2). Last evaluated 2018-06-18.

Allele frequency attached by ClinVar (database versions not stated): TOPMed 0.84718; gnomAD 0.85376; 1000 Genomes Project 30x 0.85790; 1000 Genomes Project 0.86182.
gnomAD v4.1: 128,714 of 152,140 alleles (85%); highest among the groups gnomAD compares: East Asian, 95%; 54,637 homozygotes.

Submissions (10):

GeneDx
Classification: Benign. Last evaluated: 2018-06-18. Review status: criteria provided, single submitter. Criteria: GeneDx Variant Classification (06012015). Collection method: clinical testing. Allele origin: germline. Affected: yes.
Comment: This variant is considered likely benign or benign based on one or more of the following criteria: it is a conservative change, it occurs at a poorly conserved position in the protein, it is predicted to be benign by multiple in silico algorithms, and/or has population frequency not consistent with disease.

Breakthrough Genomics
Classification: Benign. Review status: criteria provided, single submitter. Criteria: ACMG Guidelines, 2015. Collection method: not provided. Allele origin: germline. Inheritance: Autosomal recessive inheritance. Affected: yes.

Dr. Peter K. Rogan Lab, Western University
No classification provided (evidence only). Condition: Lung cancer. Review status: no classification provided. Collection method: in vitro. Allele origin: not applicable. Functional consequence: retained intron. Not counted in ClinVar's aggregate classification.

Dr. Peter K. Rogan Lab, Western University
No classification provided (evidence only). Condition: Cholangiocarcinoma. Review status: no classification provided. Collection method: in vitro. Allele origin: not applicable. Functional consequence: retained intron. Not counted in ClinVar's aggregate classification.

Dr. Peter K. Rogan Lab, Western University
No classification provided (evidence only). Condition: Gastric cancer. Review status: no classification provided. Collection method: in vitro. Allele origin: not applicable. Functional consequence: retained intron. Not counted in ClinVar's aggregate classification.

Dr. Peter K. Rogan Lab, Western University
No classification provided (evidence only). Condition: Uterine carcinosarcoma. Review status: no classification provided. Collection method: in vitro. Allele origin: not applicable. Functional consequence: retained intron. Not counted in ClinVar's aggregate classification.

Dr. Peter K. Rogan Lab, Western University
No classification provided (evidence only). Condition: Uterine carcinosarcoma. Review status: no classification provided. Collection method: in vitro. Allele origin: not applicable. Functional consequence: retained intron. Not counted in ClinVar's aggregate classification.

Dr. Peter K. Rogan Lab, Western University
No classification provided (evidence only). Condition: Malignant tumor of esophagus. Review status: no classification provided. Collection method: in vitro. Allele origin: not applicable. Functional consequence: retained intron. Not counted in ClinVar's aggregate classification.

Dr. Peter K. Rogan Lab, Western University
No classification provided (evidence only). Condition: Malignant tumor of esophagus. Review status: no classification provided. Collection method: in vitro. Allele origin: not applicable. Functional consequence: retained intron. Not counted in ClinVar's aggregate classification.

Dr. Peter K. Rogan Lab, Western University
No classification provided (evidence only). Condition: Malignant tumor of esophagus. Review status: no classification provided. Collection method: in vitro. Allele origin: not applicable. Functional consequence: retained intron. Not counted in ClinVar's aggregate classification.